The following is an entry in ClinVar:

ClinVar aggregate classification (germline): Uncertain significance (1 of 4 stars; one submission).

Conditions:
ERBIN-related disorder. Also called: ERBIN-related condition.

Submission:

PreventionGenetics, part of Exact Sciences
Classification: Uncertain significance for ERBIN-related condition. Last evaluated: 2025-02-15. Review status: criteria provided, single submitter. Criteria: ACMG Guidelines, 2015. Collection method: clinical testing. Allele origin: germline.
Comment: The ERBIN c.3751A>T variant is predicted to result in the amino acid substitution p.Met1251Leu. To our knowledge, this variant has not been reported in the literature or in a large population database (gnomAD), indicating this variant is rare. At this time, the clinical significance of this variant is uncertain due to the absence of conclusive functional and genetic evidence.

NM_001253697.2(ERBIN):c.3751A>T (p.Met1251Leu)

Gene: ERBIN (erbb2 interacting protein; plus strand). Cytogenetic location: 5q12.3.
Variant type: single nucleotide variant.
Coding change: c.3751A>T on transcript NM_001253697.2 (MANE Select); coding-DNA position 3751, A replaced by T.
Protein change: p.Met1251Leu; replaces methionine 1251 with leucine.
Molecular consequence: missense variant. On other transcripts: intron variant (5).
Genome position (GRCh38, 1-based): chr5:66,072,286, A>T. VCF-style: chr5-66072286-A-T. GRCh37 (hg19) VCF-style: chr5-65368114-A-T.
Other names: c.3778-2738A>T (NM_001253699.2); c.3634-2738A>T (NM_018695.4, NM_001253698.2); c.3634-4030A>T (NM_001006600.3); c.3622-2738A>T (NM_001253701.2); short protein forms M1251L.
Identifiers: ClinVar variation 4997347 (VCV004997347.1).